The following is an entry in ClinVar:

NM_000891.3(KCNJ2):c.452C>T (p.Thr151Met)

Gene: KCNJ2 (potassium inwardly rectifying channel subfamily J member 2; plus strand). Cytogenetic location: 17q24.3.
Variant type: single nucleotide variant.
Coding change: c.452C>T on transcript NM_000891.3 (MANE Select); coding-DNA position 452, C replaced by T.
Protein change: p.Thr151Met; replaces threonine 151 with methionine.
Molecular consequence: missense variant.
Genome position (GRCh38, 1-based): chr17:70,175,491, C>T. VCF-style: chr17-70175491-C-T. GRCh37 (hg19) VCF-style: chr17-68171632-C-T.
Other names: short protein forms T151M.
Identifiers: ClinVar variation 2926084 (VCV002926084.4), dbSNP rs766588803, ClinGen allele CA8738730.
Genomic context (GRCh38, chr17:70,175,491, plus strand): 5'-CTGCCTTCCTCTTCTCCATTGAGACCCAGACAACCATAGGCTATGGTTTCAGATGTGTCA[C>T]GGATGAATGCCCAATTGCTGTTTTCATGGTGGTGTTCCAGTCAATCGTGGGCTGCATCAT-3'
Protein context (NP_000882.1, residues 141-161): TTIGYGFRCV[Thr151Met]DECPIAVFMV

ClinVar aggregate classification (germline): Uncertain significance. Review status: criteria provided, multiple submitters, no conflicts (2 of 4 stars). 2 submissions from 2 submitters: Uncertain significance (2). Last evaluated 2025-06-10.

Conditions:
Andersen Tawil syndrome (LQT7). Also called: Potassium-sensitive periodic paralysis, ventricular ectopy, and dysmorphic features; ANDERSEN CARDIODYSRHYTHMIC PERIODIC PARALYSIS; LONG QT SYNDROME 7; PERIODIC PARALYSIS, POTASSIUM-SENSITIVE CARDIODYSRHYTHMIC TYPE; Andersen Syndrome. Identifiers: Orphanet 37553, MedGen C1563715, MONDO:0008222, OMIM 170390.
Short QT syndrome type 3. Identifiers: Orphanet 51083, MedGen C1865018, MONDO:0012314, OMIM 609622.

Allele frequency attached by ClinVar (database versions not stated): gnomAD exomes below 0.00001; TOPMed below 0.00001; ExAC 0.00001; gnomAD 0.00001.

Submissions (2):

GeneDx
Classification: Uncertain significance. Last evaluated: 2025-06-10. Review status: criteria provided, single submitter. Criteria: GeneDx Variant Classification Process June 2021. Collection method: clinical testing. Allele origin: germline. Affected: yes.
Comment: Observed in a patient with with long QT syndrome in published literature; however, further clinical details were not provided (PMID: 31737537); In silico analysis supports that this missense variant has a deleterious effect on protein structure/function; Not observed at significant frequency in large population cohorts (gnomAD); This variant is associated with the following publications: (PMID: 31737537)

Labcorp Genetics (formerly Invitae), Labcorp
Classification: Uncertain significance for Short QT syndrome type 3; Andersen Tawil syndrome. Last evaluated: 2025-06-09. Review status: criteria provided, single submitter. Criteria: Invitae Variant Classification Sherloc (09022015). Collection method: clinical testing. Allele origin: germline.
Comment: This sequence change replaces threonine, which is neutral and polar, with methionine, which is neutral and non-polar, at codon 151 of the KCNJ2 protein (p.Thr151Met). This variant is present in population databases (rs766588803, gnomAD 0.007%). This missense change has been observed in individual(s) with long QT syndrome (PMID: 31737537). ClinVar contains an entry for this variant (Variation ID: 2926084). Invitae Evidence Modeling of protein sequence and biophysical properties (such as structural, functional, and spatial information, amino acid conservation, physicochemical variation, residue mobility, and thermodynamic stability) indicates that this missense variant is expected to disrupt KCNJ2 protein function with a positive predictive value of 95%. In summary, the available evidence is currently insufficient to determine the role of this variant in disease. Therefore, it has been classified as a Variant of Uncertain Significance.

Literature cited by the submitters: PubMed 31737537 (cited by Labcorp Genetics (formerly Invitae), Labcorp).